The following is an entry in ClinVar:

NM_002103.5(GYS1):c.2009A>G (p.Glu670Gly)

Gene: GYS1 (glycogen synthase 1; minus strand). Cytogenetic location: 19q13.33.
Variant type: single nucleotide variant.
Coding change: c.2009A>G on transcript NM_002103.5 (MANE Select); coding-DNA position 2009, A replaced by G.
Protein change: p.Glu670Gly; replaces glutamic acid 670 with glycine.
Molecular consequence: missense variant. On other transcripts: non-coding transcript variant (1).
Genome position (GRCh38, 1-based): chr19:48,969,493, T>C on the plus strand (A>G on the coding strand, the complement: GYS1 is on the minus strand). VCF-style: chr19-48969493-T-C. GRCh37 (hg19) VCF-style: chr19-49472750-T-C.
Other names: c.1817A>G, p.Glu606Gly (NM_001161587.2); c.2009A>G (NM_002103.4); short protein forms E606G, E670G.
Identifiers: ClinVar variation 999215 (VCV000999215.7), dbSNP rs1416976109, ClinGen allele CA406759407.

ClinVar aggregate classification (germline): Uncertain significance. Review status: criteria provided, multiple submitters, no conflicts (2 of 4 stars). 2 submissions from 2 submitters: Uncertain significance (2). Last evaluated 2025-04-01.

Conditions:
Inborn genetic diseases. Identifiers: MedGen C0950123, MeSH D030342.
Glycogen storage disease due to muscle and heart glycogen synthase deficiency. Also called: GSD 0b; MUSCLE GLYCOGEN SYNTHASE DEFICIENCY. Identifiers: Orphanet 137625, MedGen C1969054, MONDO:0012693, OMIM 611556.

Allele frequency attached by ClinVar (database versions not stated): gnomAD 0.00001.

Submissions (2):

Ambry Genetics
Classification: Uncertain significance for Inborn genetic diseases. Last evaluated: 2025-04-01. Review status: criteria provided, single submitter. Criteria: Ambry Variant Classification Scheme 2023. Collection method: clinical testing. Allele origin: germline.

Labcorp Genetics (formerly Invitae), Labcorp
Classification: Uncertain significance for Glycogen storage disease due to muscle and heart glycogen synthase deficiency. Last evaluated: 2022-03-15. Review status: criteria provided, single submitter. Criteria: Invitae Variant Classification Sherloc (09022015). Collection method: clinical testing. Allele origin: germline.
Comment: This sequence change replaces glutamic acid, which is acidic and polar, with glycine, which is neutral and non-polar, at codon 670 of the GYS1 protein (p.Glu670Gly). This variant is present in population databases (no rsID available, gnomAD 0.007%). This variant has not been reported in the literature in individuals affected with GYS1-related conditions. ClinVar contains an entry for this variant (Variation ID: 999215). Algorithms developed to predict the effect of missense changes on protein structure and function (SIFT, PolyPhen-2, Align-GVGD) all suggest that this variant is likely to be tolerated. In summary, the available evidence is currently insufficient to determine the role of this variant in disease. Therefore, it has been classified as a Variant of Uncertain Significance.